The following is an entry in ClinVar:

NM_145290.4(ADGRA3):c.2677G>A (p.Ala893Thr)

Gene: ADGRA3 (adhesion G protein-coupled receptor A3; minus strand). Cytogenetic location: 4p15.2.
Variant type: single nucleotide variant.
Coding change: c.2677G>A on transcript NM_145290.4 (MANE Select); coding-DNA position 2677, G replaced by A.
Protein change: p.Ala893Thr; replaces alanine 893 with threonine.
Molecular consequence: missense variant.
Genome position (GRCh38, 1-based): chr4:22,389,134, C>T on the plus strand (G>A on the coding strand, the complement: ADGRA3 is on the minus strand). VCF-style: chr4-22389134-C-T. GRCh37 (hg19) VCF-style: chr4-22390757-C-T.
Other names: short protein forms A893T.
Identifiers: ClinVar variation 3725842 (VCV003725842.2).

ClinVar aggregate classification (germline): Uncertain significance (1 of 4 stars; one submission).

gnomAD v4.1: 2 of 1,614,024 alleles (0.00012%); highest among the groups gnomAD compares: African/African-American, 0.0013%; no homozygotes.

Submission:

Labcorp Genetics (formerly Invitae), Labcorp
Classification: Uncertain significance. Last evaluated: 2024-11-22. Review status: criteria provided, single submitter. Criteria: Invitae Variant Classification Sherloc (09022015). Collection method: clinical testing. Allele origin: germline.
Comment: This sequence change replaces alanine, which is neutral and non-polar, with threonine, which is neutral and polar, at codon 893 of the ADGRA3 protein (p.Ala893Thr). This variant is not present in population databases (gnomAD no frequency). This variant has not been reported in the literature in individuals affected with ADGRA3-related conditions. An algorithm developed to predict the effect of missense changes on protein structure and function (PolyPhen-2) suggests that this variant is likely to be disruptive. In summary, the available evidence is currently insufficient to determine the role of this variant in disease. Therefore, it has been classified as a Variant of Uncertain Significance.